The following is an entry in ClinVar:

NM_001015880.2(PAPSS2):c.1722-201G>A

Gene: PAPSS2 (3'-phosphoadenosine 5'-phosphosulfate synthase 2; plus strand). Cytogenetic location: 10q23.31.
Variant type: single nucleotide variant.
Coding change: c.1722-201G>A on transcript NM_001015880.2 (MANE Select); 201 bases into the intron before coding-DNA position 1722, G replaced by A.
Molecular consequence: intron variant.
Genome position (GRCh38, 1-based): chr10:87,745,631, G>A. VCF-style: chr10-87745631-G-A. GRCh37 (hg19) VCF-style: chr10-89505388-G-A.
Other names: c.1707-201G>A (NM_004670.4).
Identifiers: ClinVar variation 1707197 (VCV001707197.2), dbSNP rs76957876, ClinGen allele CA211241537.

ClinVar aggregate classification (germline): Likely benign (1 of 4 stars; one submission).

Allele frequency attached by ClinVar (database versions not stated): 1000 Genomes Project 0.00699; 1000 Genomes Project 30x 0.00796; TOPMed 0.01084; gnomAD 0.01280.
gnomAD v4.1: 1,940 of 152,272 alleles (1.3%); highest among the groups gnomAD compares: Non-Finnish European, 1.9%; 24 homozygotes.

Submission:

GeneDx
Classification: Likely benign. Last evaluated: 2018-09-07. Review status: criteria provided, single submitter. Criteria: GeneDx Variant Classification Process June 2021. Collection method: clinical testing. Allele origin: germline. Affected: yes.
Comment: See Variant Classification Assertion Criteria.